The following is an entry in ClinVar:

NM_177965.4(CFAP418):c.-1G>A

Genes: CFAP418 (cilia and flagella associated protein 418; minus strand), CFAP418-AS1 (CFAP418 antisense RNA 1; plus strand), LOC130000784 (ATAC-STARR-seq lymphoblastoid active region 27655; plus strand). Cytogenetic location: 8q22.1.
Variant type: single nucleotide variant.
Coding change: c.-1G>A on transcript NM_177965.4 (MANE Select); 1 bases upstream of the start codon, G replaced by A.
Molecular consequence: 5 prime UTR variant.
Genome position (GRCh38, 1-based): chr8:95,269,190, C>T on the plus strand (G>A on the coding strand, the complement: CFAP418 is on the minus strand). VCF-style: chr8-95269190-C-T. GRCh37 (hg19) VCF-style: chr8-96281418-C-T.
Other names: c.-1G>A (NM_001363260.1).
Identifiers: ClinVar variation 4987621 (VCV004987621.1).

ClinVar aggregate classification (germline): Uncertain significance (1 of 4 stars; one submission).

Conditions:
CFAP418-related disorder. Also called: CFAP418-related condition.

gnomAD v4.1: 2 of 1,614,056 alleles (0.00012%); highest among the groups gnomAD compares: Non-Finnish European, 0.00017%; no homozygotes.

Submission:

PreventionGenetics, part of Exact Sciences
Classification: Uncertain significance for CFAP418-related condition. Last evaluated: 2025-09-03. Review status: criteria provided, single submitter. Criteria: ACMG Guidelines, 2015. Collection method: clinical testing. Allele origin: germline.
Comment: The CFAP418 c.-1G>A variant is located in the 5' untranslated region. To our knowledge, this variant has not been reported in the literature or in a large population database (gnomAD), indicating this variant is rare. At this time, the clinical significance of this variant is uncertain due to the absence of conclusive functional and genetic evidence.